The following is an entry in ClinVar:

ClinVar aggregate classification (germline): Uncertain significance (1 of 4 stars; one submission).

Conditions:
Hypertrophic cardiomyopathy. Also called: HYPERTROPHIC MYOCARDIOPATHY. Identifiers: Orphanet 217569, MedGen C0007194, MeSH D002312, MONDO:0005045, HP:0001639.

Submission:

Labcorp Genetics (formerly Invitae), Labcorp
Classification: Uncertain significance for Hypertrophic cardiomyopathy. Last evaluated: 2025-04-17. Review status: criteria provided, single submitter. Criteria: Invitae Variant Classification Sherloc (09022015). Collection method: clinical testing. Allele origin: germline.
Comment: This sequence change falls in intron 5 of the MYL3 gene. It does not directly change the encoded amino acid sequence of the MYL3 protein. This variant is present in population databases (rs778313994, gnomAD 0.0009%). This variant has not been reported in the literature in individuals affected with MYL3-related conditions. Algorithms developed to predict the effect of sequence changes on RNA splicing suggest that this variant may disrupt the consensus splice site. In summary, the available evidence is currently insufficient to determine the role of this variant in disease. Therefore, it has been classified as a Variant of Uncertain Significance.

NM_000258.3(MYL3):c.560-13_560-11del

Gene: MYL3 (myosin light chain 3; minus strand). Cytogenetic location: 3p21.31.
Variant type: Microsatellite.
Coding change: c.560-13_560-11del on transcript NM_000258.3 (MANE Select); 13 bases into the intron before coding-DNA position 560 through 11 bases into the intron before coding-DNA position 560, 3 bases deleted (CTC; older notation c.560-13_560-11delCTC).
Molecular consequence: intron variant.
Genome position (GRCh38, 1-based): chr3:46,858,283-46,858,285, GAG deleted on the plus strand (CTC on the coding strand, the reverse complement: MYL3 is on the minus strand); deleting any 3 consecutive bases within chr3:46,858,283-46,858,288 gives the same sequence; the c. name uses the placement nearest the transcript's 3' end. VCF-style (leftmost placement, unchanged base first): chr3-46858282-AGAG-A. GRCh37 (hg19) VCF-style: chr3-46899772-AGAG-A.
Other names: c.560-13_560-11del (NM_001406939.1, NM_001406938.1, NM_001406937.1); c.386-13_386-11del (NM_001406940.1); c.371-13_371-11del (NM_001406941.1).
Identifiers: ClinVar variation 4699311 (VCV004699311.1).